The following is an entry in ClinVar:

ClinVar aggregate classification (germline): Likely benign (1 of 4 stars; one submission).

Submission:

Center for Pediatric Genomic Medicine, Children's Mercy Hospital and Clinics
Classification: Likely benign. Last evaluated: 2016-10-03. Review status: criteria provided, single submitter. Criteria: ACMG Guidelines, 2015. Collection method: clinical testing. Allele origin: germline.
ClinVar note: Converted during submission from Likely Benign to Likely benign.

NM_005120.3(MED12):c.4009G>A (p.Glu1337Lys)

Gene: MED12 (mediator complex subunit 12; plus strand). Cytogenetic location: Xq13.1.
Variant type: single nucleotide variant.
Coding change: c.4009G>A on transcript NM_005120.3 (MANE Select); coding-DNA position 4009, G replaced by A.
Protein change: p.Glu1337Lys; replaces glutamic acid 1337 with lysine.
Molecular consequence: missense variant.
Genome position (GRCh38, 1-based): chrX:71,130,176, G>A. VCF-style: chrX-71130176-G-A. GRCh37 (hg19) VCF-style: chrX-70350026-G-A.
Other names: short protein forms E1337K.
Identifiers: ClinVar variation 377089 (VCV000377089.3), dbSNP rs1057520129, ClinGen allele CA16603263.